The following is an entry in ClinVar:

NM_003060.4(SLC22A5):c.901G>A (p.Ala301Thr)

Gene: SLC22A5 (solute carrier family 22 member 5; plus strand). Cytogenetic location: 5q31.1.
Variant type: single nucleotide variant.
Coding change: c.901G>A on transcript NM_003060.4 (MANE Select); coding-DNA position 901, G replaced by A.
Protein change: p.Ala301Thr; replaces alanine 301 with threonine.
Molecular consequence: missense variant.
Genome position (GRCh38, 1-based): chr5:132,387,101, G>A. VCF-style: chr5-132387101-G-A. GRCh37 (hg19) VCF-style: chr5-131722793-G-A.
Other names: c.973G>A, p.Ala325Thr (NM_001308122.2); short protein forms A325T, A301T.
Identifiers: ClinVar variation 1485101 (VCV001485101.10), dbSNP rs2126786122, ClinGen allele CA360805651.

ClinVar aggregate classification (germline): Conflicting classifications of pathogenicity. Review status: criteria provided, conflicting classifications (1 of 4 stars). 2 submissions from 2 submitters: Likely pathogenic (1); Uncertain significance (1). Last evaluated 2025-09-26.

Conditions:
Renal carnitine transport defect (CDSP). Also called: Carnitine transporter deficiency; Primary carnitine deficiency; Systemic primary carnitine deficiency; CARNITINE DEFICIENCY, SYSTEMIC, DUE TO DEFECT IN RENAL REABSORPTION OF CARNITINE; CARNITINE TRANSPORTER, PLASMA-MEMBRANE, DEFICIENCY OF; CARNITINE UPTAKE DEFECT. Identifiers: Orphanet 158, MedGen C0342788, MONDO:0008919, OMIM 212140.

Submissions (2):

Labcorp Genetics (formerly Invitae), Labcorp
Classification: Likely pathogenic for Renal carnitine transport defect. Last evaluated: 2025-09-26. Review status: criteria provided, single submitter. Criteria: Invitae Variant Classification Sherloc (09022015). Collection method: clinical testing. Allele origin: germline.
Comment: This sequence change replaces alanine, which is neutral and non-polar, with threonine, which is neutral and polar, at codon 301 of the SLC22A5 protein (p.Ala301Thr). This variant is not present in population databases (gnomAD no frequency). This missense change has been observed in individual(s) with a positive newborn screening result for SLC22A5-related disease (internal data). ClinVar contains an entry for this variant (Variation ID: 1485101). Invitae Evidence Modeling of protein sequence and biophysical properties (such as structural, functional, and spatial information, amino acid conservation, physicochemical variation, residue mobility, and thermodynamic stability) indicates that this missense variant is expected to disrupt SLC22A5 protein function with a positive predictive value of 95%. This variant disrupts the p.Ala301 amino acid residue in SLC22A5. Other variant(s) that disrupt this residue have been determined to be pathogenic (PMID: 11058897). This suggests that this residue is clinically significant, and that variants that disrupt this residue are likely to be disease-causing. In summary, the currently available evidence indicates that the variant is pathogenic, but additional data are needed to prove that conclusively. Therefore, this variant has been classified as Likely Pathogenic.

Women's Health and Genetics/Laboratory Corporation of America, LabCorp
Classification: Uncertain significance. Last evaluated: 2025-07-31. Review status: criteria provided, single submitter. Criteria: LabCorp Variant Classification Summary - May 2015. Collection method: clinical testing. Allele origin: germline.
Comment: Variant summary: SLC22A5 c.901G>A (p.Ala301Thr) results in a non-conservative amino acid change located in the Major facilitator superfamily domain (IPR020846) of the encoded protein sequence. Algorithms developed to predict the effect of missense changes on protein structure and function all suggest that this variant is likely to be disruptive. The variant was absent in 251496 control chromosomes. The available data on variant occurrences in the general population are insufficient to allow any conclusion about variant significance. To our knowledge, no occurrence of c.901G>A in individuals affected with Systemic Primary Carnitine Deficiency and no experimental evidence demonstrating its impact on protein function have been reported. A different variant affecting the same codon has been classified as pathogenic by our lab (c.902C>A, p.Ala201Asp), however this evidence is not sufficient to associate the current variant with disease. ClinVar contains an entry for this variant (Variation ID: 1485101). Based on the evidence outlined above, the variant was classified as uncertain significance.

Literature cited by the submitters: PubMed 11058897 (cited by Labcorp Genetics (formerly Invitae), Labcorp).